The following is an entry in ClinVar:

NC_000023.10:g.(?_31854815)_(32591983_?)del

Gene: DMD (dystrophin; minus strand). Cytogenetic location: Xp21.1.
Variant type: Deletion.
Identifiers: ClinVar variation 2424893 (VCV002424893.5).

ClinVar aggregate classification (germline): Pathogenic (1 of 4 stars; one submission).

Conditions:
Duchenne muscular dystrophy (DMD). Also called: Duchenne Muscular Dystrophy (DMD); MUSCULAR DYSTROPHY, PSEUDOHYPERTROPHIC PROGRESSIVE, DUCHENNE TYPE. Identifiers: Orphanet 98896, MedGen C0013264, MONDO:0010679, OMIM 310200.

Submission:

Labcorp Genetics (formerly Invitae), Labcorp
Classification: Pathogenic for Duchenne muscular dystrophy. Last evaluated: 2022-05-31. Review status: criteria provided, single submitter. Criteria: Invitae Variant Classification Sherloc (09022015). Collection method: clinical testing. Allele origin: germline.
Comment: For these reasons, this variant has been classified as Pathogenic. This variant disrupts a region of the DMD protein in which other variant(s) (Deletion (Exons 45-49)) have been determined to be pathogenic (PMID: 2063877, 9007319, 18752307, 22090376). This suggests that this is a clinically significant region of the protein, and that variants that disrupt it are likely to be disease-causing. This variant has not been reported in the literature in individuals affected with DMD-related conditions. This variant is a gross deletion of the genomic region encompassing exon(s) 14-49 of the DMD gene. This variant would be expected to be in-frame, preserving the integrity of the reading frame.

Literature cited by the submitters: PubMed 2063877; PubMed 9007319; PubMed 18752307; PubMed 22090376.